The following is an entry in ClinVar:

ClinVar aggregate classification (germline): Uncertain significance (1 of 4 stars; one submission).

gnomAD v4.1: 5 of 1,211,965 alleles (0.00041%); highest among the groups gnomAD compares: Non-Finnish European, 0.00045%; no homozygotes.

Submission:

Labcorp Genetics (formerly Invitae), Labcorp
Classification: Uncertain significance. Last evaluated: 2025-08-23. Review status: criteria provided, single submitter. Criteria: Invitae Variant Classification Sherloc (09022015). Collection method: clinical testing. Allele origin: germline.
Comment: This sequence change replaces arginine, which is basic and polar, with threonine, which is neutral and polar, at codon 613 of the SH3KBP1 protein (p.Arg613Thr). This variant is not present in population databases (gnomAD no frequency). This variant has not been reported in the literature in individuals affected with SH3KBP1-related conditions. Invitae Evidence Modeling of protein sequence and biophysical properties (such as structural, functional, and spatial information, amino acid conservation, physicochemical variation, residue mobility, and thermodynamic stability) has been performed for this missense variant. However, the output from this modeling did not meet the statistical confidence thresholds required to predict the impact of this variant on SH3KBP1 protein function. In summary, the available evidence is currently insufficient to determine the role of this variant in disease. Therefore, it has been classified as a Variant of Uncertain Significance.

NM_031892.3(SH3KBP1):c.1838G>C (p.Arg613Thr)

Gene: SH3KBP1 (SH3 domain containing kinase binding protein 1; minus strand). Cytogenetic location: Xp22.12.
Variant type: single nucleotide variant.
Coding change: c.1838G>C on transcript NM_031892.3 (MANE Select); coding-DNA position 1838, G replaced by C.
Protein change: p.Arg613Thr; replaces arginine 613 with threonine.
Molecular consequence: missense variant.
Genome position (GRCh38, 1-based): chrX:19,541,979, C>G on the plus strand (G>C on the coding strand, the complement: SH3KBP1 is on the minus strand). VCF-style: chrX-19541979-C-G. GRCh37 (hg19) VCF-style: chrX-19560097-C-G.
Other names: c.1727G>C, p.Arg576Thr (NM_001024666.3); c.1124G>C, p.Arg375Thr (NM_001184960.2); c.1709G>C, p.Arg570Thr (NM_001353890.2); c.1913G>C, p.Arg638Thr (NM_001353891.2); c.1784G>C, p.Arg595Thr (NM_001353892.2); c.1736G>C, p.Arg579Thr (NM_001353893.2); c.1607G>C, p.Arg536Thr (NM_001353894.2); c.1664G>C, p.Arg555Thr (NM_001353895.2); and 4 more; short protein forms R332T, R375T, R511T, R536T, R555T, R570T, R576T, R579T.
Identifiers: ClinVar variation 4797453 (VCV004797453.1).